The following is an entry in ClinVar:

ClinVar aggregate classification (germline): Uncertain significance (1 of 4 stars; one submission).

Conditions:
Acromesomelic dysplasia 1, Maroteaux type (AMD1). Also called: ST. HELENA DYSPLASIA; ACROMESOMELIC DYSPLASIA 1. Identifiers: Orphanet 40, MedGen C1864356, MONDO:0011275, OMIM 602875.
Tall stature-scoliosis-macrodactyly of the great toes syndrome. Also called: Epiphyseal chondrodysplasia, miura type. Identifiers: Orphanet 329191, MedGen C4014690, MONDO:0014401, OMIM 615923.

Submission:

Labcorp Genetics (formerly Invitae), Labcorp
Classification: Uncertain significance for Tall stature-scoliosis-macrodactyly of the great toes syndrome; Acromesomelic dysplasia 1, Maroteaux type. Last evaluated: 2022-07-21. Review status: criteria provided, single submitter. Criteria: Invitae Variant Classification Sherloc (09022015). Collection method: clinical testing. Allele origin: germline.
Comment: In summary, the available evidence is currently insufficient to determine the role of this variant in disease. Therefore, it has been classified as a Variant of Uncertain Significance. Algorithms developed to predict the effect of missense changes on protein structure and function are either unavailable or do not agree on the potential impact of this missense change (SIFT: "Deleterious"; PolyPhen-2: "Benign"; Align-GVGD: "Class C65"). This variant has not been reported in the literature in individuals affected with NPR2-related conditions. This variant is not present in population databases (gnomAD no frequency). This sequence change replaces alanine, which is neutral and non-polar, with glutamic acid, which is acidic and polar, at codon 408 of the NPR2 protein (p.Ala408Glu).

NM_003995.4(NPR2):c.1223C>A (p.Ala408Glu)

Gene: NPR2 (natriuretic peptide receptor 2; plus strand). Cytogenetic location: 9p13.3.
Variant type: single nucleotide variant.
Coding change: c.1223C>A on transcript NM_003995.4 (MANE Select); coding-DNA position 1223, C replaced by A.
Protein change: p.Ala408Glu; replaces alanine 408 with glutamic acid.
Molecular consequence: missense variant.
Genome position (GRCh38, 1-based): chr9:35,800,713, C>A. VCF-style: chr9-35800713-C-A. GRCh37 (hg19) VCF-style: chr9-35800710-C-A.
Other names: c.1223C>A, p.Ala408Glu (NM_001378923.1); short protein forms A408E.
Identifiers: ClinVar variation 2102777 (VCV002102777.4), dbSNP rs2132079334, ClinGen allele CA373370899.